The following is an entry in ClinVar:

NM_032578.4(MYPN):c.2126A>G (p.Gln709Arg)

Gene: MYPN (myopalladin; plus strand). Cytogenetic location: 10q21.3.
Variant type: single nucleotide variant.
Coding change: c.2126A>G on transcript NM_032578.4 (MANE Select); coding-DNA position 2126, A replaced by G.
Protein change: p.Gln709Arg; replaces glutamine 709 with arginine.
Molecular consequence: missense variant. On other transcripts: non-coding transcript variant (2).
Genome position (GRCh38, 1-based): chr10:68,174,218, A>G. VCF-style: chr10-68174218-A-G. GRCh37 (hg19) VCF-style: chr10-69933975-A-G.
Other names: c.2126A>G, p.Gln709Arg (NM_001256267.2); c.1244A>G, p.Gln415Arg (NM_001256268.2); short protein forms Q415R, Q709R.
Identifiers: ClinVar variation 1520824 (VCV001520824.8), dbSNP rs2134199222, ClinGen allele CA376844632.

ClinVar aggregate classification (germline): Uncertain significance (1 of 4 stars; one submission).

Conditions:
Dilated cardiomyopathy 1KK (CMD1KK). Identifiers: Orphanet 154, Orphanet 75249, MedGen C3714995, MONDO:0014100, OMIM 615248.

Allele frequency attached by ClinVar (database versions not stated): gnomAD exomes below 0.00001.
gnomAD v4.1: 1 of 1,614,128 alleles (0.000062%); highest among the groups gnomAD compares: Non-Finnish European, 0.000085%; no homozygotes.

Submission:

Labcorp Genetics (formerly Invitae), Labcorp
Classification: Uncertain significance for Dilated cardiomyopathy 1KK. Last evaluated: 2022-03-08. Review status: criteria provided, single submitter. Criteria: Invitae Variant Classification Sherloc (09022015). Collection method: clinical testing. Allele origin: germline.
Comment: This sequence change replaces glutamine, which is neutral and polar, with arginine, which is basic and polar, at codon 709 of the MYPN protein (p.Gln709Arg). In summary, the available evidence is currently insufficient to determine the role of this variant in disease. Therefore, it has been classified as a Variant of Uncertain Significance. Algorithms developed to predict the effect of sequence changes on RNA splicing suggest that this variant may disrupt the consensus splice site. Algorithms developed to predict the effect of missense changes on protein structure and function (SIFT, PolyPhen-2, Align-GVGD) all suggest that this variant is likely to be tolerated. This variant has not been reported in the literature in individuals affected with MYPN-related conditions. This variant is not present in population databases (gnomAD no frequency).